The following is an entry in ClinVar:

NM_000066.4(C8B):c.1043C>T (p.Ala348Val)

Gene: C8B (complement C8 beta chain; minus strand). Cytogenetic location: 1p32.2.
Variant type: single nucleotide variant.
Coding change: c.1043C>T on transcript NM_000066.4 (MANE Select); coding-DNA position 1043, C replaced by T.
Protein change: p.Ala348Val; replaces alanine 348 with valine.
Molecular consequence: missense variant.
Genome position (GRCh38, 1-based): chr1:56,945,883, G>A on the plus strand (C>T on the coding strand, the complement: C8B is on the minus strand). VCF-style: chr1-56945883-G-A. GRCh37 (hg19) VCF-style: chr1-57411556-G-A.
Other names: c.887C>T, p.Ala296Val (NM_001278543.2); c.857C>T, p.Ala286Val (NM_001278544.2); short protein forms A286V, A348V, A296V.
Identifiers: ClinVar variation 1398619 (VCV001398619.6), dbSNP rs369565521, ClinGen allele CA875776.

ClinVar aggregate classification (germline): Uncertain significance (1 of 4 stars; one submission).

Allele frequency attached by ClinVar (database versions not stated): ExAC 0.00002; gnomAD 0.00002; gnomAD exomes 0.00002 and 0.00003; TOPMed 0.00002; ESP Exome Variant Server 0.00015.

Submission:

Labcorp Genetics (formerly Invitae), Labcorp
Classification: Uncertain significance. Last evaluated: 2021-02-20. Review status: criteria provided, single submitter. Criteria: Invitae Variant Classification Sherloc (09022015). Collection method: clinical testing. Allele origin: germline.
Comment: In summary, the available evidence is currently insufficient to determine the role of this variant in disease. Therefore, it has been classified as a Variant of Uncertain Significance. Algorithms developed to predict the effect of missense changes on protein structure and function are either unavailable or do not agree on the potential impact of this missense change (SIFT: "Deleterious"; PolyPhen-2: "Probably Damaging"; Align-GVGD: "Class C0"). This variant has not been reported in the literature in individuals with C8B-related conditions. This variant is present in population databases (rs369565521, ExAC 0.004%). This sequence change replaces alanine with valine at codon 348 of the C8B protein (p.Ala348Val). The alanine residue is highly conserved and there is a small physicochemical difference between alanine and valine.